The following is an entry in ClinVar:

NM_001130987.2(DYSF):c.4911+5C>A

Gene: DYSF (dysferlin; plus strand). Cytogenetic location: 2p13.2.
Variant type: single nucleotide variant.
Coding change: c.4911+5C>A on transcript NM_001130987.2 (MANE Select); 5 bases into the intron after coding-DNA position 4911, C replaced by A.
Molecular consequence: intron variant.
Genome position (GRCh38, 1-based): chr2:71,659,038, C>A. VCF-style: chr2-71659038-C-A. GRCh37 (hg19) VCF-style: chr2-71886168-C-A.
Other names: c.4887+5C>A (NM_001130979.2); c.4908+5C>A (NM_001130981.2); c.4845+5C>A (NM_001130980.2); c.4857+5C>A (NM_001130978.2); c.4848+5C>A (NM_001130985.2); c.4860+5C>A (NM_001130983.2); c.4797+5C>A (NM_001130455.2); c.4818+5C>A (NM_001130984.2); and 5 more.
Identifiers: ClinVar variation 1038669 (VCV001038669.7), dbSNP rs971480261, ClinGen allele CA892661719.

ClinVar aggregate classification (germline): Uncertain significance (1 of 4 stars; one submission).

Conditions:
Neuromuscular disease caused by qualitative or quantitative defects of dysferlin. Also called: Qualitative or quantitative defects of dysferlin; Dysferlinopathy. Identifiers: Orphanet 207073, MedGen C2931687, MONDO:0016145.

Allele frequency attached by ClinVar (database versions not stated): gnomAD exomes below 0.00001; TOPMed below 0.00001.
gnomAD v4.1: 1 of 1,614,116 alleles (0.000062%); highest among the groups gnomAD compares: Non-Finnish European, 0.000085%; no homozygotes.

Submission:

Labcorp Genetics (formerly Invitae), Labcorp
Classification: Uncertain significance for Neuromuscular disease caused by qualitative or quantitative defects of dysferlin. Last evaluated: 2020-02-18. Review status: criteria provided, single submitter. Criteria: Invitae Variant Classification Sherloc (09022015). Collection method: clinical testing. Allele origin: germline.
Comment: In summary, the available evidence is currently insufficient to determine the role of this variant in disease. Therefore, it has been classified as a Variant of Uncertain Significance. Nucleotide substitutions within the consensus splice site are a relatively common cause of aberrant splicing (PMID: 17576681, 9536098). Algorithms developed to predict the effect of sequence changes on RNA splicing suggest that this variant is not likely to affect RNA splicing, but this prediction has not been confirmed by published transcriptional studies. This variant has not been reported in the literature in individuals with DYSF-related conditions. This variant is not present in population databases (ExAC no frequency). This sequence change falls in intron 43 of the DYSF gene. It does not directly change the encoded amino acid sequence of the DYSF protein, but it affects a nucleotide within the consensus splice site of the intron.

Literature cited by the submitters: PubMed 17576681; PubMed 9536098.